The following is an entry in ClinVar:

NM_000051.4(ATM):c.597T>C (p.Cys199=)

Gene: ATM (ATM serine/threonine kinase; plus strand). Cytogenetic location: 11q22.3.
Variant type: single nucleotide variant.
Coding change: c.597T>C on transcript NM_000051.4 (MANE Select); coding-DNA position 597, T replaced by C.
Protein change: p.Cys199=; no amino-acid change (cysteine 199 retained).
Molecular consequence: synonymous variant.
Genome position (GRCh38, 1-based): chr11:108,244,053, T>C. VCF-style: chr11-108244053-T-C. GRCh37 (hg19) VCF-style: chr11-108114780-T-C.
Other names: c.597T>C, p.Cys199= (NM_001351834.2).
Identifiers: ClinVar variation 1667753 (VCV001667753.9), dbSNP rs1565369633, ClinGen allele CA476671452.

ClinVar aggregate classification (germline): Benign/Likely benign. Review status: criteria provided, multiple submitters, no conflicts (2 of 4 stars). 2 submissions from 2 submitters: Benign (1); Likely benign (1). Last evaluated 2025-05-07.

Conditions:
Ataxia-telangiectasia syndrome (AT). Also called: Cerebello-oculocutaneous telangiectasia; Immunodeficiency with ataxia telangiectasia; LOUIS-BAR SYNDROME; Ataxia-telangiectasia, complementation group D; AT, COMPLEMENTATION GROUP C; Ataxia-telangiectasia, complementation group E. Identifiers: Orphanet 100, MedGen C0004135, MONDO:0008840, OMIM 208900.
Familial cancer of breast. Also called: hereditary breast carcinoma; BREAST CANCER, FAMILIAL; Hereditary breast cancer. Identifiers: Orphanet 227535, MedGen C0346153, MONDO:0016419, OMIM 114480. Disease mechanism: loss of function.

Submissions (2):

Labcorp Genetics (formerly Invitae), Labcorp
Classification: Likely benign for Ataxia-telangiectasia syndrome. Last evaluated: 2025-05-07. Review status: criteria provided, single submitter. Criteria: Invitae Variant Classification Sherloc (09022015). Collection method: clinical testing. Allele origin: germline.

Myriad Genetics, Inc.
Classification: Benign for Familial cancer of breast. Last evaluated: 2024-04-22. Review status: criteria provided, single submitter. Criteria: Myriad Autosomal Dominant, Autosomal Recessive and X-Linked Classification Criteria (2023). Collection method: clinical testing. Allele origin: unknown.
Comment: This variant is considered benign. This variant is a silent/synonymous amino acid change and it is not expected to impact splicing.